The following is an entry in ClinVar:

ClinVar aggregate classification (germline): Likely benign (1 of 4 stars; one submission).

gnomAD v4.1: 867 of 1,613,904 alleles (0.054%); highest among the groups gnomAD compares: Middle Eastern, 0.16%; 2 homozygotes.

Submission:

CeGaT Center for Human Genetics Tuebingen
Classification: Likely benign. Last evaluated: 2026-04-01. Review status: criteria provided, single submitter. Criteria: CeGaT Center For Human Genetics Tuebingen Variant Classification Criteria Version 2. Collection method: clinical testing. Allele origin: germline. Affected: yes. Observed: 1 variant allele.
Comment: RFC1: BP4, BP7

NM_002913.5(RFC1):c.1938G>A (p.Ala646=)

Gene: RFC1 (replication factor C subunit 1; minus strand). Cytogenetic location: 4p14.
Variant type: single nucleotide variant.
Coding change: c.1938G>A on transcript NM_002913.5 (MANE Select); coding-DNA position 1938, G replaced by A.
Protein change: p.Ala646=; no amino-acid change (alanine 646 retained).
Molecular consequence: synonymous variant.
Genome position (GRCh38, 1-based): chr4:39,306,649, C>T on the plus strand (G>A on the coding strand, the complement: RFC1 is on the minus strand). VCF-style: chr4-39306649-C-T. GRCh37 (hg19) VCF-style: chr4-39308269-C-T.
Other names: c.1941G>A, p.Ala647= (NM_001204747.2); c.1860G>A, p.Ala620= (NM_001363495.2); c.1863G>A, p.Ala621= (NM_001363496.2).
Identifiers: ClinVar variation 4872413 (VCV004872413.2).
Genomic context (GRCh38, chr4:39,306,649, plus strand): 5'-CACCTGACACACCAGGGAAGCTGTGGTGGTTTTGCCAACACCAGGAGGGCCTGACAGCAA[C>T]GCTGCTTTAAAACTAGAGCCATCATCTTTGCCGGAAAATTTACCAAACTTTGCTGCTAGG-3'
Protein context (NP_002904.3, residues 636-656): GKDDGSSFKA[Ala646=]LLSGPPGVGK